The following is an entry in ClinVar:

ClinVar aggregate classification (germline): Uncertain significance. Review status: criteria provided, multiple submitters, no conflicts (2 of 4 stars). 3 submissions from 3 submitters: Uncertain significance (3). Last evaluated 2025-10-03.

Conditions:
Inborn genetic diseases. Identifiers: MedGen C0950123, MeSH D030342.

Allele frequency attached by ClinVar (database versions not stated): ExAC 0.00001; gnomAD exomes 0.00001.
gnomAD v4.1: 13 of 1,614,076 alleles (0.00081%); highest among the groups gnomAD compares: Middle Eastern, 0.017%; no homozygotes.

Submissions (3):

Labcorp Genetics (formerly Invitae), Labcorp
Classification: Uncertain significance. Last evaluated: 2025-10-03. Review status: criteria provided, single submitter. Criteria: Invitae Variant Classification Sherloc (09022015). Collection method: clinical testing. Allele origin: germline.
Comment: This sequence change replaces proline, which is neutral and non-polar, with serine, which is neutral and polar, at codon 1223 of the C3 protein (p.Pro1223Ser). This variant is present in population databases (rs771497419, gnomAD 0.0009%). This variant has not been reported in the literature in individuals affected with C3-related conditions. ClinVar contains an entry for this variant (Variation ID: 1910079). Invitae Evidence Modeling of protein sequence and biophysical properties (such as structural, functional, and spatial information, amino acid conservation, physicochemical variation, residue mobility, and thermodynamic stability) indicates that this missense variant is not expected to disrupt C3 protein function with a negative predictive value of 80%. In summary, the available evidence is currently insufficient to determine the role of this variant in disease. Therefore, it has been classified as a Variant of Uncertain Significance.

Blueprint Genetics
Classification: Uncertain significance. Last evaluated: 2024-05-06. Review status: criteria provided, single submitter. Criteria: ACMG Guidelines, 2015. Collection method: clinical testing. Allele origin: germline.

Ambry Genetics
Classification: Uncertain significance for Inborn genetic diseases. Last evaluated: 2022-03-29. Review status: criteria provided, single submitter. Criteria: Ambry Variant Classification Scheme 2023. Collection method: clinical testing. Allele origin: germline.

NM_000064.4(C3):c.3667C>T (p.Pro1223Ser)

Gene: C3 (complement C3; minus strand). Cytogenetic location: 19p13.3.
Variant type: single nucleotide variant.
Coding change: c.3667C>T on transcript NM_000064.4 (MANE Select); coding-DNA position 3667, C replaced by T.
Protein change: p.Pro1223Ser; replaces proline 1223 with serine.
Molecular consequence: missense variant.
Genome position (GRCh38, 1-based): chr19:6,686,267, G>A on the plus strand (C>T on the coding strand, the complement: C3 is on the minus strand). VCF-style: chr19-6686267-G-A. GRCh37 (hg19) VCF-style: chr19-6686278-G-A.
Other names: short protein forms P1223S.
Identifiers: ClinVar variation 1910079 (VCV001910079.7), dbSNP rs771497419, ClinGen allele CA9128663.